The following is an entry in ClinVar:

ClinVar aggregate classification (germline): Uncertain significance (1 of 4 stars; one submission).

Conditions:
Anterior segment dysgenesis. Also called: Ocular anterior segment dysgenesis. Identifiers: Orphanet 88632, MedGen C1862839, MONDO:0019503, HP:0007700.
Congenital primary aphakia. Also called: Anterior segment dysgenesis 2, multiple subtypes; ANTERIOR SEGMENT DYSGENESIS 2. Identifiers: Orphanet 83461, MedGen C1853230, MONDO:0012456, OMIM 610256.

Allele frequency attached by ClinVar (database versions not stated): ExAC 0.00010.

Submission:

Labcorp Genetics (formerly Invitae), Labcorp
Classification: Uncertain significance for Anterior segment dysgenesis; Congenital primary aphakia. Last evaluated: 2024-01-01. Review status: criteria provided, single submitter. Criteria: Invitae Variant Classification Sherloc (09022015). Collection method: clinical testing. Allele origin: germline.
Comment: This sequence change replaces arginine, which is basic and polar, with proline, which is neutral and non-polar, at codon 268 of the FOXE3 protein (p.Arg268Pro). The frequency data for this variant in the population databases is considered unreliable, as metrics indicate poor data quality at this position in the gnomAD database. This variant has not been reported in the literature in individuals affected with FOXE3-related conditions. Advanced modeling of protein sequence and biophysical properties (such as structural, functional, and spatial information, amino acid conservation, physicochemical variation, residue mobility, and thermodynamic stability) performed at Invitae indicates that this missense variant is not expected to disrupt FOXE3 protein function with a negative predictive value of 80%. In summary, the available evidence is currently insufficient to determine the role of this variant in disease. Therefore, it has been classified as a Variant of Uncertain Significance.

NM_012186.3(FOXE3):c.803G>C (p.Arg268Pro)

Genes: FOXE3 (forkhead box E3; plus strand), LINC01389 (long independently transcribed non-coding RNA 1389; minus strand). Cytogenetic location: 1p33.
Variant type: single nucleotide variant.
Coding change: c.803G>C on transcript NM_012186.3 (MANE Select); coding-DNA position 803, G replaced by C.
Protein change: p.Arg268Pro; replaces arginine 268 with proline.
Molecular consequence: missense variant.
Genome position (GRCh38, 1-based): chr1:47,417,118, G>C. VCF-style: chr1-47417118-G-C. GRCh37 (hg19) VCF-style: chr1-47882790-G-C.
Other names: short protein forms R268P.
Identifiers: ClinVar variation 2934197 (VCV002934197.3), dbSNP rs759142626, ClinGen allele CA843013.